The following is an entry in ClinVar:

NM_000051.4(ATM):c.1956del (p.Leu653fs)

Gene: ATM (ATM serine/threonine kinase; plus strand). Cytogenetic location: 11q22.3.
Variant type: Deletion.
Coding change: c.1956del on transcript NM_000051.4 (MANE Select); coding-DNA position 1956, one base deleted (T; older notation c.1956delT).
Protein change: p.Leu653fs; shifts the reading frame from leucine 653.
Molecular consequence: frameshift variant.
Genome position (GRCh38, 1-based): chr11:108,253,871, T deleted; the last of 3 consecutive T bases (chr11:108,253,869-108,253,871); deleting any one gives the same sequence. VCF-style (leftmost placement, unchanged base first): chr11-108253868-AT-A. GRCh37 (hg19) VCF-style: chr11-108124595-AT-A.
Other names: c.1956del, p.Leu653fs (NM_001351834.2); short protein forms L653fs.
Identifiers: ClinVar variation 3148550 (VCV003148550.1), dbSNP rs2497311554, ClinGen allele CA2825001775.

ClinVar aggregate classification (germline): Pathogenic (1 of 4 stars; one submission).

Conditions:
Familial cancer of breast. Also called: BREAST CANCER, FAMILIAL; Hereditary breast cancer; hereditary breast carcinoma. Identifiers: Orphanet 227535, MedGen C0346153, MONDO:0016419, OMIM 114480. Disease mechanism: loss of function.

Submission:

Myriad Genetics, Inc.
Classification: Pathogenic for Familial cancer of breast. Last evaluated: 2024-01-17. Review status: criteria provided, single submitter. Criteria: Myriad Autosomal Dominant, Autosomal Recessive and X-Linked Classification Criteria (2023). Collection method: clinical testing. Allele origin: unknown.
Comment: This variant is considered pathogenic. This variant creates a frameshift predicted to result in premature protein truncation.